The following is an entry in ClinVar:

NM_000138.5(FBN1):c.6953G>C (p.Cys2318Ser)

Gene: FBN1 (fibrillin 1; minus strand). Cytogenetic location: 15q21.1.
Variant type: single nucleotide variant.
Coding change: c.6953G>C on transcript NM_000138.5 (MANE Select); coding-DNA position 6953, G replaced by C.
Protein change: p.Cys2318Ser; replaces cysteine 2318 with serine.
Molecular consequence: missense variant.
Genome position (GRCh38, 1-based): chr15:48,428,390, C>G on the plus strand (G>C on the coding strand, the complement: FBN1 is on the minus strand). VCF-style: chr15-48428390-C-G. GRCh37 (hg19) VCF-style: chr15-48720587-C-G.
Other names: p.Cys2318Ser; c.6953G>C (NM_000138.4); short protein forms C2318S.
Identifiers: ClinVar variation 982350 (VCV000982350.3), dbSNP rs1555394626, ClinGen allele CA392330599.

ClinVar aggregate classification (germline): Pathogenic/Likely pathogenic. Review status: criteria provided, multiple submitters, no conflicts (2 of 4 stars). 2 submissions from 2 submitters: Pathogenic (1); Likely pathogenic (1). Last evaluated 2018-11-25.

Conditions:
Isolated thoracic aortic aneurysm.

Submissions (2):

Mayo Clinic Laboratories, Mayo Clinic
Classification: Pathogenic. Last evaluated: 2018-11-25. Review status: criteria provided, single submitter. Criteria: ACMG Guidelines, 2015. Collection method: clinical testing. Allele origin: germline. Observed: 1 variant allele.
Comment: PP2, PP3, PM1_strong, PM2, PM5, PS4_supporting

Department of Vascular Biology, Beijing Anzhen Hospital
Classification: Likely pathogenic for Isolated thoracic aortic aneurysm. Last evaluated: 2018-09-01. Review status: criteria provided, single submitter. Criteria: ACMG Guidelines, 2015. Collection method: research. Allele origin: germline. Affected: yes.

Literature cited by the submitters: PubMed 33824467 (cited by Mayo Clinic Laboratories, Mayo Clinic).